The following is an entry in ClinVar:

ClinVar aggregate classification (germline): Uncertain significance (1 of 4 stars; one submission).

Conditions:
Tuberous sclerosis 2 (TSC2). Identifiers: Orphanet 805, MedGen C1860707, MONDO:0013199, OMIM 613254.

gnomAD v4.1: 1 of 1,612,610 alleles (0.000062%); highest among the groups gnomAD compares: Non-Finnish European, 0.000085%; no homozygotes.

Submission:

Labcorp Genetics (formerly Invitae), Labcorp
Classification: Uncertain significance for Tuberous sclerosis 2. Last evaluated: 2023-02-14. Review status: criteria provided, single submitter. Criteria: Invitae Variant Classification Sherloc (09022015). Collection method: clinical testing. Allele origin: germline.
Comment: In summary, the available evidence is currently insufficient to determine the role of this variant in disease. Therefore, it has been classified as a Variant of Uncertain Significance. Variants that disrupt the consensus splice site are a relatively common cause of aberrant splicing (PMID: 17576681, 9536098). Algorithms developed to predict the effect of sequence changes on RNA splicing suggest that this variant may create or strengthen a splice site. This variant has not been reported in the literature in individuals affected with TSC2-related conditions. This variant is not present in population databases (gnomAD no frequency). This sequence change falls in intron 41 of the TSC2 gene. It does not directly change the encoded amino acid sequence of the TSC2 protein. It affects a nucleotide within the consensus splice site.

Literature cited by the submitters: PubMed 17576681; PubMed 9536098.

NM_000548.5(TSC2):c.5259+5G>A

Gene: TSC2 (TSC complex subunit 2; plus strand). Cytogenetic location: 16p13.3.
Variant type: single nucleotide variant.
Coding change: c.5259+5G>A on transcript NM_000548.5 (MANE Select); 5 bases into the intron after coding-DNA position 5259, G replaced by A.
Molecular consequence: intron variant.
Genome position (GRCh38, 1-based): chr16:2,088,330, G>A. VCF-style: chr16-2088330-G-A. GRCh37 (hg19) VCF-style: chr16-2138331-G-A.
Other names: c.3717+5G>A (NM_001406693.1, NM_001406692.1, NM_001406694.1); c.5151+5G>A (NM_001406667.1); c.5148+5G>A (NM_001406668.1); c.4659+5G>A (NM_001406680.1); c.4590+5G>A (NM_001406683.1, NM_001406682.1); c.4458+5G>A (NM_001406687.1, NM_001406688.1); c.3846+5G>A (NM_001406689.1); c.3786+5G>A (NM_001406690.1); and 27 more.
Identifiers: ClinVar variation 2833067 (VCV002833067.3), dbSNP rs768760778, ClinGen allele CA2631118866.